The following is an entry in ClinVar:

ClinVar aggregate classification (germline): Uncertain significance (1 of 4 stars; one submission).

Submission:

GeneDx
Classification: Uncertain significance. Last evaluated: 2023-01-03. Review status: criteria provided, single submitter. Criteria: GeneDx Variant Classification Process June 2021. Collection method: clinical testing. Allele origin: germline. Affected: yes.
Comment: Not observed at significant frequency in large population cohorts (gnomAD); In silico analysis supports that this variant does not alter splicing; Has not been previously published as pathogenic or benign to our knowledge

NM_001943.5(DSG2):c.2335-6_2338dup

Genes: DSG2 (desmoglein 2; plus strand), DSG2-AS1 (DSG2 antisense RNA 1; minus strand). Cytogenetic location: 18q12.1.
Variant type: Duplication.
Coding change: c.2335-6_2338dup on transcript NM_001943.5 (MANE Select); 6 bases into the intron before coding-DNA position 2335 through coding-DNA position 2338, 10 bases duplicated (TTTTAGAAAG; older notation c.2335-6_2338dupTTTTAGAAAG).
Molecular consequence: splice acceptor variant.
Genome position (GRCh38, 1-based): chr18:31,545,715-31,545,724, TTTTAGAAAG duplicated. VCF-style (leftmost placement, unchanged base first): chr18-31545714-A-ATTTTAGAAAG. GRCh37 (hg19) VCF-style: chr18-29125677-A-ATTTTAGAAAG.
Identifiers: ClinVar variation 2507192 (VCV002507192.1), dbSNP rs2510922117, ClinGen allele CA2580612577.
Genomic context (GRCh38, chr18:31,545,714, plus strand): 5'-TTAAAATGAATTTATATTGCTAATTATTTGTCTGTTTTGTGTTTGTTTTGTTTTGTTTTC[A>ATTTTAGAAAG]TTTTAGAAAGCGGCCTCTTACACTGAGGAAGATGAAAATCACACAGCCAAAGATTGCCTT-3'